The following is an entry in ClinVar:

ClinVar aggregate classification (germline): Uncertain significance (1 of 4 stars; one submission).

Conditions:
Immunodeficiency, common variable, 7. Identifiers: Orphanet 1572, Orphanet 696894, MedGen C3542922, MONDO:0013862, OMIM 614699.

Submission:

Labcorp Genetics (formerly Invitae), Labcorp
Classification: Uncertain significance for Immunodeficiency, common variable, 7. Last evaluated: 2025-07-28. Review status: criteria provided, single submitter. Criteria: Invitae Variant Classification Sherloc (09022015). Collection method: clinical testing. Allele origin: germline.
Comment: This sequence change replaces proline, which is neutral and non-polar, with serine, which is neutral and polar, at codon 931 of the CR2 protein (p.Pro931Ser). This variant is not present in population databases (gnomAD no frequency). This variant has not been reported in the literature in individuals affected with CR2-related conditions. ClinVar contains an entry for this variant (Variation ID: 1417000). An algorithm developed to predict the effect of missense changes on protein structure and function (PolyPhen-2) suggests that this variant is likely to be disruptive. In summary, the available evidence is currently insufficient to determine the role of this variant in disease. Therefore, it has been classified as a Variant of Uncertain Significance.

NM_001006658.3(CR2):c.2791C>T (p.Pro931Ser)

Gene: CR2 (complement C3d receptor 2; plus strand). Cytogenetic location: 1q32.2.
Variant type: single nucleotide variant.
Coding change: c.2791C>T on transcript NM_001006658.3 (MANE Select); coding-DNA position 2791, C replaced by T.
Protein change: p.Pro931Ser; replaces proline 931 with serine.
Molecular consequence: missense variant.
Genome position (GRCh38, 1-based): chr1:207,476,308, C>T. VCF-style: chr1-207476308-C-T. GRCh37 (hg19) VCF-style: chr1-207649653-C-T.
Other names: c.2614C>T, p.Pro872Ser (NM_001877.5); short protein forms P872S, P931S.
Identifiers: ClinVar variation 1417000 (VCV001417000.6), dbSNP rs2102308634, ClinGen allele CA344539978.